The following is an entry in ClinVar:

NM_194454.3(KRIT1):c.846-8A>G

Gene: KRIT1 (KRIT1 ankyrin repeat containing; minus strand). Cytogenetic location: 7q21.2.
Variant type: single nucleotide variant.
Coding change: c.846-8A>G on transcript NM_194454.3 (MANE Select); 8 bases into the intron before coding-DNA position 846, A replaced by G.
Molecular consequence: intron variant.
Genome position (GRCh38, 1-based): chr7:92,234,600, T>C on the plus strand (A>G on the coding strand, the complement: KRIT1 is on the minus strand). VCF-style: chr7-92234600-T-C. GRCh37 (hg19) VCF-style: chr7-91863914-T-C.
Other names: c.846-8A>G (NM_001350672.1, NM_001350676.1, NM_001350673.1 and 26 more transcripts); c.845+208A>G (NM_001350669.1, NM_001013406.2, NM_001350670.1); c.132-8A>G (NM_001350671.1).
Identifiers: ClinVar variation 2580531 (VCV002580531.2), dbSNP rs2536006080, ClinGen allele CA2580618183.

ClinVar aggregate classification (germline): Uncertain significance. Review status: criteria provided, multiple submitters, no conflicts (2 of 4 stars). 2 submissions from 2 submitters: Uncertain significance (2). Last evaluated 2023-05-12.

Submissions (2):

Blueprint Genetics
Classification: Uncertain significance. Last evaluated: 2023-05-12. Review status: criteria provided, single submitter. Criteria: ACMG Guidelines, 2015. Collection method: clinical testing. Allele origin: germline.

GeneDx
Classification: Uncertain significance. Last evaluated: 2023-03-21. Review status: criteria provided, single submitter. Criteria: GeneDx Variant Classification Process June 2021. Collection method: clinical testing. Allele origin: germline. Affected: yes.
Comment: In silico analysis supports a deleterious effect on splicing; Not observed at significant frequency in large population cohorts (gnomAD); Has not been previously published as pathogenic or benign to our knowledge